The following is an entry in ClinVar:

ClinVar aggregate classification (germline): Uncertain significance (1 of 4 stars; one submission).

Conditions:
Chilton-Okur-Chung neurodevelopmental syndrome (CHOCNS). Identifiers: MedGen C5677022, MONDO:0859239, OMIM 619841.

Submission:

Dasa
Classification: Uncertain significance for Chilton-Okur-Chung neurodevelopmental syndrome. Last evaluated: 2026-01-10. Review status: criteria provided, single submitter. Criteria: DASA Assertion Criteria. Collection method: clinical testing. Allele origin: germline.
Comment: NM_006035.4(CDC42BPB):c.3479T>A (p.Leu1160Gln) is a missense variant that results in the substitution of leucine with glutamine. This variant is absent from population databases. The currently available literature and clinical evidence are not sufficient to establish a definitive association between this variant and the reported condition. Therefore, this variant is classified as a variant of uncertain significance.

NM_006035.4(CDC42BPB):c.3479T>A (p.Leu1160Gln)

Gene: CDC42BPB (CDC42 binding protein kinase beta; minus strand). Cytogenetic location: 14q32.32.
Variant type: single nucleotide variant.
Coding change: c.3479T>A on transcript NM_006035.4 (MANE Select); coding-DNA position 3479, T replaced by A.
Protein change: p.Leu1160Gln; replaces leucine 1160 with glutamine.
Molecular consequence: missense variant.
Genome position (GRCh38, 1-based): chr14:102,947,773, A>T on the plus strand (T>A on the coding strand, the complement: CDC42BPB is on the minus strand). VCF-style: chr14-102947773-A-T. GRCh37 (hg19) VCF-style: chr14-103414110-A-T.
Other names: c.3401T>A, p.Leu1134Gln (NM_001411054.1); short protein forms L1134Q, L1160Q.
Identifiers: ClinVar variation 4882942 (VCV004882942.2).